The following is an entry in ClinVar:

ClinVar aggregate classification (germline): Uncertain significance. Review status: criteria provided, multiple submitters, no conflicts (2 of 4 stars). 5 submissions from 5 submitters: Uncertain significance (4). 1 of the submissions does not count toward it. Last evaluated 2024-08-02.

Conditions:
VPS13B-related disorder. Also called: VPS13B-related condition.
Inborn genetic diseases. Identifiers: MedGen C0950123, MeSH D030342.
Cohen syndrome (COH1). Also called: Cutis verticis gyrata, retinitis pigmentosa, and sensorineural deafness; PEPPER SYNDROME. Identifiers: Orphanet 193, MedGen C0265223, MONDO:0008999, OMIM 216550.

Allele frequency attached by ClinVar (database versions not stated): TOPMed 0.00006.
gnomAD v4.1: 14 of 1,614,080 alleles (0.00087%); highest among the groups gnomAD compares: Admixed American, 0.022%; no homozygotes.

Submissions (5):

GeneDx
Classification: Uncertain significance. Last evaluated: 2024-08-02. Review status: criteria provided, single submitter. Criteria: GeneDx Variant Classification Process June 2021. Collection method: clinical testing. Allele origin: germline. Affected: yes.
Comment: In silico analysis supports that this missense variant has a deleterious effect on protein structure/function; Has not been previously published as pathogenic or benign to our knowledge

Ambry Genetics
Classification: Uncertain significance for Inborn genetic diseases. Last evaluated: 2024-01-16. Review status: criteria provided, single submitter. Criteria: Ambry Variant Classification Scheme 2023. Collection method: clinical testing. Allele origin: germline.

Labcorp Genetics (formerly Invitae), Labcorp
Classification: Uncertain significance for Cohen syndrome. Last evaluated: 2022-07-18. Review status: criteria provided, single submitter. Criteria: Invitae Variant Classification Sherloc (09022015). Collection method: clinical testing. Allele origin: germline.
Comment: This sequence change replaces arginine with leucine at codon 3530 of the VPS13B protein (p.Arg3530Leu). The arginine residue is highly conserved and there is a moderate physicochemical difference between arginine and leucine. This variant is present in population databases (rs770999005, gnomAD 0.02%). This variant has not been reported in the literature in individuals affected with VPS13B-related conditions. ClinVar contains an entry for this variant (Variation ID: 1430463). Algorithms developed to predict the effect of missense changes on protein structure and function are either unavailable or do not agree on the potential impact of this missense change (SIFT: "Not Available"; PolyPhen-2: "Benign"; Align-GVGD: "Not Available"). In summary, the available evidence is currently insufficient to determine the role of this variant in disease. Therefore, it has been classified as a Variant of Uncertain Significance.

New York Genome Center
Classification: Uncertain significance for Cohen syndrome. Last evaluated: 2022-04-06. Review status: criteria provided, single submitter. Criteria: NYGC Assertion Criteria 2020. Collection method: clinical testing. Allele origin: germline. Observed: 1 variant allele.

PreventionGenetics, part of Exact Sciences
Classification: Uncertain significance for VPS13B-related condition. Last evaluated: 2024-05-31. Review status: no assertion criteria provided. Collection method: clinical testing. Allele origin: germline. Not counted in ClinVar's aggregate classification.
Comment: The VPS13B c.10514G>T variant is predicted to result in the amino acid substitution p.Arg3505Leu. To our knowledge, this variant has not been reported in the literature. This variant is reported in 0.020% of alleles in individuals of Latino descent in gnomAD. At this time, the clinical significance of this variant is uncertain due to the absence of conclusive functional and genetic evidence.

NM_152564.5(VPS13B):c.10514G>T (p.Arg3505Leu)

Gene: VPS13B (vacuolar protein sorting 13 homolog B; plus strand). Cytogenetic location: 8q22.2.
Variant type: single nucleotide variant.
Coding change: c.10514G>T on transcript NM_152564.5 (MANE Select); coding-DNA position 10514, G replaced by T.
Protein change: p.Arg3505Leu; replaces arginine 3505 with leucine.
Molecular consequence: missense variant.
Genome position (GRCh38, 1-based): chr8:99,853,903, G>T. VCF-style: chr8-99853903-G-T. GRCh37 (hg19) VCF-style: chr8-100866131-G-T.
Other names: c.10589G>T (NM_017890.3); c.10514G>T (NM_152564.4); c.10589G>T, p.Arg3530Leu (NM_017890.5); short protein forms R3530L, R3505L.
Identifiers: ClinVar variation 1430463 (VCV001430463.6), dbSNP rs770999005, ClinGen allele CA4824962.
Genomic context (GRCh38, chr8:99,853,903, plus strand): 5'-ATGAAGGCAAGAGCATCCTCTGTGATATTAATGAGTTCAGCTTTGAATTAAAACCTGCTC[G>T]GTTATACGTGGAAGACACATTTGTATACTACATCAAGACTTTGTTTGACACCTACCTTCC-3'
Protein context (NP_689777.3, residues 3495-3515): NEFSFELKPA[Arg3505Leu]LYVEDTFVYY